The following is an entry in ClinVar:

NM_001110556.2(FLNA):c.7400dup (p.Asp2467fs)

Gene: FLNA (filamin A; minus strand). Cytogenetic location: Xq28.
Variant type: Duplication.
Coding change: c.7400dup on transcript NM_001110556.2 (MANE Select); coding-DNA position 7400, one base duplicated (A; older notation c.7400dupA).
Protein change: p.Asp2467fs; shifts the reading frame from aspartic acid 2467.
Molecular consequence: frameshift variant.
Genome position (GRCh38, 1-based): chrX:154,349,801, T duplicated on the plus strand (A on the coding strand, the reverse complement: FLNA is on the minus strand). VCF-style (leftmost placement, unchanged base first): chrX-154349800-G-GT. GRCh37 (hg19) VCF-style: chrX-153578168-G-GT.
Other names: c.7376dup, p.Asp2459fs (NM_001456.4); short protein forms D2459fs, D2467fs.
Identifiers: ClinVar variation 3760306 (VCV003760306.2).

ClinVar aggregate classification (germline): Pathogenic (1 of 4 stars; one submission).

Conditions:
Melnick-Needles syndrome (MNS). Also called: MELNICK-NEEDLES OSTEODYSPLASTY; OSTEODYSPLASTY OF MELNICK AND NEEDLES; Melnick-Needles Syndrome (FLNA-MNS). Identifiers: Orphanet 2484, MedGen C0025237, MONDO:0010650, OMIM 309350.
Frontometaphyseal dysplasia (FMD1). Identifiers: Orphanet 1826, MedGen C0265293, MONDO:0015942.
Heterotopia, periventricular, X-linked dominant (PVNH1). Also called: PERIVENTRICULAR NODULAR HETEROTOPIA 1; X-linked periventricular heterotopia; PERIVENTRICULAR NODULAR HETEROTOPIA 4; HETEROTOPIA, PERIVENTRICULAR, 1. Identifiers: Orphanet 2149, Orphanet 82004, MedGen C1848213, MONDO:0010233, OMIM 300049.
Oto-palato-digital syndrome, type II (OPD2). Also called: FACIOPALATOOSSEOUS SYNDROME; OPD II SYNDROME; Otopalatodigital Syndrome, Type II; Otopalatodigital Syndrome Type 2 (FLNA-OPD2). Identifiers: Orphanet 669, Orphanet 90652, MedGen C1844696, MONDO:0010571, OMIM 304120.

Submission:

Labcorp Genetics (formerly Invitae), Labcorp
Classification: Pathogenic for Oto-palato-digital syndrome, type II; Heterotopia, periventricular, X-linked dominant; Frontometaphyseal dysplasia; Melnick-Needles syndrome. Last evaluated: 2025-01-13. Review status: criteria provided, single submitter. Criteria: Invitae Variant Classification Sherloc (09022015). Collection method: clinical testing. Allele origin: germline.
Comment: This sequence change creates a premature translational stop signal (p.Asp2459Glufs*15) in the FLNA gene. It is expected to result in an absent or disrupted protein product. Loss-of-function variants in FLNA are known to be pathogenic (PMID: 16684786, 20730588, 26471271). This variant is not present in population databases (gnomAD no frequency). This variant has not been reported in the literature in individuals affected with FLNA-related conditions. For these reasons, this variant has been classified as Pathogenic.

Literature cited by the submitters: PubMed 16684786; PubMed 20730588; PubMed 26471271.